The following is an entry in ClinVar:

ClinVar aggregate classification (germline): Likely benign. Review status: criteria provided, multiple submitters, no conflicts (2 of 4 stars). 2 submissions from 2 submitters: Likely benign (2). Last evaluated 2025-03-05.

Conditions:
RPGRIP1L-related disorder. Also called: RPGRIP1L-related disorders; RPGRIP1L-related condition. Identifiers: MedGen CN239416.
Joubert syndrome. Also called: JOUBERT-BOLTSHAUSER SYNDROME; Familial aplasia of the vermis. Identifiers: Orphanet 475, MedGen C5979921, MONDO:0018772.
Meckel-Gruber syndrome. Also called: DYSENCEPHALIA SPLANCHNOCYSTICA; GRUBER SYNDROME; Dysencephalia splachnocystica. Identifiers: Orphanet 564, MedGen C0265215, MONDO:0018921.

Allele frequency attached by ClinVar (database versions not stated): TOPMed 0.00001.

Submissions (2):

PreventionGenetics, part of Exact Sciences
Classification: Likely benign for RPGRIP1L-related condition. Last evaluated: 2025-03-05. Review status: criteria provided, single submitter. Criteria: ACMG Guidelines, 2015. Collection method: clinical testing. Allele origin: germline.
Comment: This variant is classified as likely benign based on ACMG/AMP sequence variant interpretation guidelines (Richards et al. 2015 PMID: 25741868, with internal and published modifications).

Labcorp Genetics (formerly Invitae), Labcorp
Classification: Likely benign for Joubert syndrome; Meckel-Gruber syndrome. Last evaluated: 2023-11-18. Review status: criteria provided, single submitter. Criteria: Invitae Variant Classification Sherloc (09022015). Collection method: clinical testing. Allele origin: germline.

NM_015272.5(RPGRIP1L):c.3771G>A (p.Val1257=)

Gene: RPGRIP1L (RPGRIP1 like; minus strand). Cytogenetic location: 16q12.2.
Variant type: single nucleotide variant.
Coding change: c.3771G>A on transcript NM_015272.5 (MANE Select); coding-DNA position 3771, G replaced by A.
Protein change: p.Val1257=; no amino-acid change (valine 1257 retained).
Molecular consequence: synonymous variant.
Genome position (GRCh38, 1-based): chr16:53,605,545, C>T on the plus strand (G>A on the coding strand, the complement: RPGRIP1L is on the minus strand). VCF-style: chr16-53605545-C-T. GRCh37 (hg19) VCF-style: chr16-53639457-C-T.
Other names: c.3771G>A (NM_015272.4); c.3531G>A, p.Val1177= (NM_001127897.4); c.3633G>A, p.Val1211= (NM_001308334.3); c.3669G>A, p.Val1223= (NM_001330538.2).
Identifiers: ClinVar variation 1158583 (VCV001158583.10), dbSNP rs1963627514, ClinGen allele CA495536860.